The following is an entry in ClinVar:

ClinVar aggregate classification (germline): Likely benign (1 of 4 stars; one submission).

Submission:

CeGaT Center for Human Genetics Tuebingen
Classification: Likely benign. Last evaluated: 2026-08-01. Review status: criteria provided, single submitter. Criteria: CeGaT Center For Human Genetics Tuebingen Variant Classification Criteria Version 2. Collection method: clinical testing. Allele origin: germline. Affected: yes. Observed: 1 variant allele.
Comment: MCM3AP: PM2:Supporting, BP4, BP7

NM_003906.5(MCM3AP):c.5133G>A (p.Glu1711=)

Genes: MCM3AP (minichromosome maintenance complex component 3 associated protein; minus strand), MCM3AP-AS1 (MCM3AP antisense RNA 1; plus strand). Cytogenetic location: 21q22.3.
Variant type: single nucleotide variant.
Coding change: c.5133G>A on transcript NM_003906.5 (MANE Select); coding-DNA position 5133, G replaced by A.
Protein change: p.Glu1711=; no amino-acid change (glutamic acid 1711 retained).
Molecular consequence: synonymous variant.
Genome position (GRCh38, 1-based): chr21:46,243,628, C>T on the plus strand (G>A on the coding strand, the complement: MCM3AP is on the minus strand). VCF-style: chr21-46243628-C-T. GRCh37 (hg19) VCF-style: chr21-47663542-C-T.
Identifiers: ClinVar variation 5039822 (VCV005039822.1).